The following is an entry in ClinVar:

ClinVar aggregate classification (germline): Pathogenic. Review status: criteria provided, multiple submitters, no conflicts (2 of 4 stars). 2 submissions from 2 submitters: Pathogenic (2). Last evaluated 2023-04-17.

Conditions:
Neurofibromatosis, type 1 (NF1). Also called: Peripheral type neurofibromatosis; Neurofibromatosis, type I; VON RECKLINGHAUSEN DISEASE; NEUROFIBROMATOSIS, TYPE I, SOMATIC. Identifiers: Orphanet 636, MedGen C0027831, MONDO:0018975, OMIM 162200. Disease mechanism: loss of function.

Submissions (2):

GeneDx
Classification: Pathogenic. Last evaluated: 2023-04-17. Review status: criteria provided, single submitter. Criteria: GeneDx Variant Classification Process June 2021. Collection method: clinical testing. Allele origin: germline.
Comment: Nonsense variant predicted to result in protein truncation or nonsense mediated decay in a gene for which loss of function is a known mechanism of disease; Published functional studies support that this variant results in aberrant splicing (Xu et al., 2014); Not observed at significant frequency in large population cohorts (gnomAD); Identified in a patient with clinically definite or suspected NF1 in published literature (Xu et al., 2014); This variant is associated with the following publications: (PMID: Zhang2018[Poster], 24789688)

Labcorp Genetics (formerly Invitae), Labcorp
Classification: Pathogenic for Neurofibromatosis, type 1. Last evaluated: 2018-12-22. Review status: criteria provided, single submitter. Criteria: Invitae Variant Classification Sherloc (09022015). Collection method: clinical testing. Allele origin: germline.
Comment: This sequence change creates a premature translational stop signal (p.Cys324*) in the NF1 gene. It is expected to result in an absent or disrupted protein product. This variant is not present in population databases (ExAC no frequency). This variant has been observed in an individual affected with neurofibromatosis type I (PMID: 24789688). Loss-of-function variants in NF1 are known to be pathogenic (PMID: 10712197, 23913538). For these reasons, this variant has been classified as Pathogenic.

Literature cited by the submitters: PubMed 24789688 (cited by Labcorp Genetics (formerly Invitae), Labcorp); PubMed 10712197 (cited by Labcorp Genetics (formerly Invitae), Labcorp); PubMed 23913538 (cited by Labcorp Genetics (formerly Invitae), Labcorp).

NM_001042492.3(NF1):c.972T>A (p.Cys324Ter)

Gene: NF1 (neurofibromin 1; plus strand). Cytogenetic location: 17q11.2.
Variant type: single nucleotide variant.
Coding change: c.972T>A on transcript NM_001042492.3 (MANE Select); coding-DNA position 972, T replaced by A.
Protein change: p.Cys324Ter; replaces cysteine 324 with a stop codon.
Molecular consequence: nonsense.
Genome position (GRCh38, 1-based): chr17:31,200,505, T>A. VCF-style: chr17-31200505-T-A. GRCh37 (hg19) VCF-style: chr17-29527523-T-A.
Other names: c.972T>A, p.Cys324Ter (NM_000267.4, NM_001128147.3); short protein forms C324*.
Identifiers: ClinVar variation 662589 (VCV000662589.8), dbSNP rs1597680938, ClinGen allele CA398995993.